The following is an entry in ClinVar:

NM_006420.3(ARFGEF2):c.850G>A (p.Gly284Arg)

Gene: ARFGEF2 (ARF guanine nucleotide exchange factor 2; plus strand). Cytogenetic location: 20q13.13.
Variant type: single nucleotide variant.
Coding change: c.850G>A on transcript NM_006420.3 (MANE Select); coding-DNA position 850, G replaced by A.
Protein change: p.Gly284Arg; replaces glycine 284 with arginine.
Molecular consequence: missense variant.
Genome position (GRCh38, 1-based): chr20:48,963,841, G>A. VCF-style: chr20-48963841-G-A. GRCh37 (hg19) VCF-style: chr20-47580378-G-A.
Other names: c.850G>A, p.Gly284Arg (NM_001410846.1); short protein forms G284R.
Identifiers: ClinVar variation 1975460 (VCV001975460.5), dbSNP rs571231961, ClinGen allele CA9898263.

ClinVar aggregate classification (germline): Uncertain significance (1 of 4 stars; one submission).

Allele frequency attached by ClinVar (database versions not stated): ExAC 0.00002; gnomAD exomes 0.00002; gnomAD 0.00003; TOPMed 0.00003; 1000 Genomes Project 0.00020; 1000 Genomes Project 30x 0.00031.
gnomAD v4.1: 29 of 1,613,876 alleles (0.0018%); highest among the groups gnomAD compares: Admixed American, 0.0033%; no homozygotes.

Submission:

Labcorp Genetics (formerly Invitae), Labcorp
Classification: Uncertain significance. Last evaluated: 2022-06-12. Review status: criteria provided, single submitter. Criteria: Invitae Variant Classification Sherloc (09022015). Collection method: clinical testing. Allele origin: germline.
Comment: In summary, the available evidence is currently insufficient to determine the role of this variant in disease. Therefore, it has been classified as a Variant of Uncertain Significance. Algorithms developed to predict the effect of missense changes on protein structure and function (SIFT, PolyPhen-2, Align-GVGD) all suggest that this variant is likely to be tolerated. This variant has not been reported in the literature in individuals affected with ARFGEF2-related conditions. This variant is present in population databases (rs571231961, gnomAD 0.006%). This sequence change replaces glycine, which is neutral and non-polar, with arginine, which is basic and polar, at codon 284 of the ARFGEF2 protein (p.Gly284Arg).